The following is an entry in ClinVar:

NM_001792.5(CDH2):c.1027C>A (p.Gln343Lys)

Gene: CDH2 (cadherin 2; minus strand). Cytogenetic location: 18q12.1.
Variant type: single nucleotide variant.
Coding change: c.1027C>A on transcript NM_001792.5 (MANE Select); coding-DNA position 1027, C replaced by A.
Protein change: p.Gln343Lys; replaces glutamine 343 with lysine.
Molecular consequence: missense variant.
Genome position (GRCh38, 1-based): chr18:27,993,631, G>T on the plus strand (C>A on the coding strand, the complement: CDH2 is on the minus strand). VCF-style: chr18-27993631-G-T. GRCh37 (hg19) VCF-style: chr18-25573595-G-T.
Other names: c.1027C>A (NM_001792.3); c.934C>A, p.Gln312Lys (NM_001308176.2); short protein forms Q312K, Q343K.
Identifiers: ClinVar variation 2074988 (VCV002074988.6), dbSNP rs200230960, ClinGen allele CA8923530.
Genomic context (GRCh38, chr18:27,993,631, plus strand): 5'-AAAGGCCATATGTGGGATTGCCTTCCATGTCTGTAGCTTGAATTATTAACGTATACTGTT[G>T]CACTTTCTAAAAAGACATAAAGATAAGAACTTAAATGAAACTAATTCCTCAAGAAGACAT-3'
Protein context (NP_001783.2, residues 333-353): VAAGLDREKV[Gln343Lys]QYTLIIQATD

ClinVar aggregate classification (germline): Conflicting classifications of pathogenicity. Review status: criteria provided, conflicting classifications (1 of 4 stars). 2 submissions from 2 submitters: Uncertain significance (1); Likely benign (1). Last evaluated 2026-01-04.

Conditions:
Inborn genetic diseases. Identifiers: MedGen C0950123, MeSH D030342.

Allele frequency attached by ClinVar (database versions not stated): ExAC 0.00004; gnomAD 0.00005; TOPMed 0.00005; gnomAD exomes 0.00009.
gnomAD v4.1: 138 of 1,608,224 alleles (0.0086%); highest among the groups gnomAD compares: Non-Finnish European, 0.011%; no homozygotes.

Submissions (2):

Labcorp Genetics (formerly Invitae), Labcorp
Classification: Uncertain significance. Last evaluated: 2026-01-04. Review status: criteria provided, single submitter. Criteria: Invitae Variant Classification Sherloc (09022015). Collection method: clinical testing. Allele origin: germline.
Comment: This sequence change replaces glutamine, which is neutral and polar, with lysine, which is basic and polar, at codon 343 of the CDH2 protein (p.Gln343Lys). This variant is present in population databases (rs200230960, gnomAD 0.01%). This variant has not been reported in the literature in individuals affected with CDH2-related conditions. ClinVar contains an entry for this variant (Variation ID: 2074988). An algorithm developed to predict the effect of missense changes on protein structure and function (PolyPhen-2) suggests that this variant is likely to be tolerated. In summary, the available evidence is currently insufficient to determine the role of this variant in disease. Therefore, it has been classified as a Variant of Uncertain Significance.

Ambry Genetics
Classification: Likely benign for Inborn genetic diseases. Last evaluated: 2024-01-23. Review status: criteria provided, single submitter. Criteria: Ambry Variant Classification Scheme 2023. Collection method: clinical testing. Allele origin: germline.